The following is an entry in ClinVar:

NM_001201543.2(FAM161A):c.1830del (p.Leu611fs)

Gene: FAM161A (FAM161 centrosomal protein A; minus strand). Cytogenetic location: 2p15.
Variant type: Deletion.
Coding change: c.1830del on transcript NM_001201543.2 (MANE Select); coding-DNA position 1830, one base deleted (G; older notation c.1830delG).
Protein change: p.Leu611fs; shifts the reading frame from leucine 611.
Molecular consequence: frameshift variant. On other transcripts: non-coding transcript variant (1).
Genome position (GRCh38, 1-based): chr2:61,836,031, C deleted on the plus strand (G on the coding strand, the reverse complement: FAM161A is on the minus strand). VCF-style (leftmost placement, unchanged base first): chr2-61836030-GC-G. GRCh37 (hg19) VCF-style: chr2-62063165-GC-G.
Other names: c.1662del, p.Leu555fs (NM_032180.3); short protein forms L555fs, L611fs.
Identifiers: ClinVar variation 987425 (VCV000987425.7), dbSNP rs1292802544, ClinGen allele CA532854598.
Genomic context (GRCh38, chr2:61,836,030, plus strand): 5'-AAAAAACTGACGATAGCTCTTAAATTCCAATAAACACAACCTGAGCAACTCTTTCAAATA[GC>G]AGTGGCCTCTTTTTTAATTTTTCTTCTCTTTCTTCTAGTTCTCGTTGGTATTCTCTCATC-3'

ClinVar aggregate classification (germline): Pathogenic/Likely pathogenic. Review status: criteria provided, multiple submitters, no conflicts (2 of 4 stars). 2 submissions from 2 submitters: Pathogenic (1); Likely pathogenic (1). Last evaluated 2023-04-10.

Allele frequency attached by ClinVar (database versions not stated): gnomAD exomes below 0.00001.

Submissions (2):

Labcorp Genetics (formerly Invitae), Labcorp
Classification: Pathogenic. Last evaluated: 2023-04-10. Review status: criteria provided, single submitter. Criteria: Invitae Variant Classification Sherloc (09022015). Collection method: clinical testing. Allele origin: germline.
Comment: For these reasons, this variant has been classified as Pathogenic. ClinVar contains an entry for this variant (Variation ID: 987425). This variant has not been reported in the literature in individuals affected with FAM161A-related conditions. This variant is present in population databases (no rsID available, gnomAD 0.0009%). This sequence change creates a premature translational stop signal (p.Leu611Tyrfs*22) in the FAM161A gene. It is expected to result in an absent or disrupted protein product. Loss-of-function variants in FAM161A are known to be pathogenic (PMID: 20705278, 20705279, 24651477).

Institute of Medical Genetics and Applied Genomics, University Hospital Tübingen
Classification: Likely pathogenic. Last evaluated: 2020-10-23. Review status: criteria provided, single submitter. Criteria: ACMG Guidelines, 2015. Collection method: clinical testing. Allele origin: germline. Inheritance: Autosomal recessive inheritance. Affected: yes.

Literature cited by the submitters: PubMed 20705278 (cited by Labcorp Genetics (formerly Invitae), Labcorp); PubMed 20705279 (cited by Labcorp Genetics (formerly Invitae), Labcorp); PubMed 24651477 (cited by Labcorp Genetics (formerly Invitae), Labcorp).